The following is an entry in ClinVar:

ClinVar aggregate classification (germline): Uncertain significance (1 of 4 stars; one submission).

gnomAD v4.1: 14 of 1,614,018 alleles (0.00087%); highest among the groups gnomAD compares: East Asian, 0.0045%; no homozygotes.

Submission:

Labcorp Genetics (formerly Invitae), Labcorp
Classification: Uncertain significance. Last evaluated: 2025-01-31. Review status: criteria provided, single submitter. Criteria: Invitae Variant Classification Sherloc (09022015). Collection method: clinical testing. Allele origin: germline.
Comment: This sequence change replaces glycine, which is neutral and non-polar, with arginine, which is basic and polar, at codon 459 of the PLTP protein (p.Gly459Arg). This variant is present in population databases (no rsID available, gnomAD 0.004%). This variant has not been reported in the literature in individuals affected with PLTP-related conditions. An algorithm developed to predict the effect of missense changes on protein structure and function (PolyPhen-2) suggests that this variant is likely to be disruptive. Algorithms developed to predict the effect of sequence changes on RNA splicing suggest that this variant may disrupt the consensus splice site. In summary, the available evidence is currently insufficient to determine the role of this variant in disease. Therefore, it has been classified as a Variant of Uncertain Significance.

NM_006227.4(PLTP):c.1375G>A (p.Gly459Arg)

Gene: PLTP (phospholipid transfer protein; minus strand). Cytogenetic location: 20q13.12.
Variant type: single nucleotide variant.
Coding change: c.1375G>A on transcript NM_006227.4 (MANE Select); coding-DNA position 1375, G replaced by A.
Protein change: p.Gly459Arg; replaces glycine 459 with arginine.
Molecular consequence: missense variant.
Genome position (GRCh38, 1-based): chr20:45,899,048, C>T on the plus strand (G>A on the coding strand, the complement: PLTP is on the minus strand). VCF-style: chr20-45899048-C-T. GRCh37 (hg19) VCF-style: chr20-44527687-C-T.
Other names: c.1090G>A, p.Gly364Arg (NM_001242920.2); c.1111G>A, p.Gly371Arg (NM_001242921.1); c.1219G>A, p.Gly407Arg (NM_182676.3); short protein forms G364R, G371R, G407R, G459R.
Identifiers: ClinVar variation 3712867 (VCV003712867.2).